The following is an entry in ClinVar:

ClinVar aggregate classification (germline): Conflicting classifications of pathogenicity. Review status: criteria provided, conflicting classifications (1 of 4 stars). 3 submissions from 3 submitters: Uncertain significance (2); Likely benign (1). Last evaluated 2025-08-13.

Conditions:
Renal tubular dysgenesis of genetic origin. Also called: PRIMITIVE RENAL TUBULE SYNDROME. Identifiers: Orphanet 97369, MedGen C5681536, MONDO:0009970, OMIM 267430.
Familial juvenile hyperuricemic nephropathy type 2 (ADTKD4). Also called: Autosomal Dominant Tubulointerstitial Kidney Disease – REN; EARLY-ONSET HYPERURICEMIA, ANEMIA, AND PROGRESSIVE KIDNEY FAILURE. Identifiers: Orphanet 217330, MedGen C2751310, MONDO:0013128, OMIM 613092.
Inborn genetic diseases. Identifiers: MedGen C0950123, MeSH D030342.

Allele frequency attached by ClinVar (database versions not stated): gnomAD exomes 0.00004; TOPMed 0.00005; gnomAD 0.00007; 1000 Genomes Project 30x 0.00016; 1000 Genomes Project 0.00020; ExAC 0.00020.

Submissions (3):

Labcorp Genetics (formerly Invitae), Labcorp
Classification: Uncertain significance. Last evaluated: 2025-08-13. Review status: criteria provided, single submitter. Criteria: Invitae Variant Classification Sherloc (09022015). Collection method: clinical testing. Allele origin: germline.
Comment: This sequence change replaces lysine, which is basic and polar, with threonine, which is neutral and polar, at codon 32 of the REN protein (p.Lys32Thr). This variant is present in population databases (rs543353436, gnomAD 0.2%). This missense change has been observed in individual(s) with familial juvenile hyperuricemic nephropathy (PMID: 33574344). ClinVar contains an entry for this variant (Variation ID: 1963968). An algorithm developed to predict the effect of missense changes on protein structure and function outputs the following: PolyPhen-2: "Benign". The threonine amino acid residue is found in multiple mammalian species, which suggests that this missense change does not adversely affect protein function. In summary, the available evidence is currently insufficient to determine the role of this variant in disease. Therefore, it has been classified as a Variant of Uncertain Significance.

Fulgent Genetics
Classification: Uncertain significance for Renal tubular dysgenesis of genetic origin; Familial juvenile hyperuricemic nephropathy type 2. Last evaluated: 2024-05-22. Review status: criteria provided, single submitter. Criteria: ACMG Guidelines, 2015. Collection method: clinical testing. Allele origin: germline.

Ambry Genetics
Classification: Likely benign for Inborn genetic diseases. Last evaluated: 2024-05-15. Review status: criteria provided, single submitter. Criteria: Ambry Variant Classification Scheme 2023. Collection method: clinical testing. Allele origin: germline.

Literature cited by the submitters: PubMed 33574344 (cited by Labcorp Genetics (formerly Invitae), Labcorp).

NM_000537.4(REN):c.95A>C (p.Lys32Thr)

Genes: REN (renin; minus strand), LOC107548112 (REN promoter and enhancer region; plus strand). Cytogenetic location: 1q32.1.
Variant type: single nucleotide variant.
Coding change: c.95A>C on transcript NM_000537.4 (MANE Select); coding-DNA position 95, A replaced by C.
Protein change: p.Lys32Thr; replaces lysine 32 with threonine.
Molecular consequence: missense variant.
Genome position (GRCh38, 1-based): chr1:204,166,199, T>G on the plus strand (A>C on the coding strand, the complement: REN is on the minus strand). VCF-style: chr1-204166199-T-G. GRCh37 (hg19) VCF-style: chr1-204135327-T-G.
Other names: c.95A>C (NM_000537.3); short protein forms K32T.
Identifiers: ClinVar variation 1963968 (VCV001963968.7), dbSNP rs543353436, ClinGen allele CA1345074.